The following is an entry in ClinVar:

NM_001384474.1(LOXHD1):c.3913+2T>C

Gene: LOXHD1 (lipoxygenase homology PLAT domains 1; minus strand). Cytogenetic location: 18q21.1.
Variant type: single nucleotide variant.
Coding change: c.3913+2T>C on transcript NM_001384474.1 (MANE Select); the canonical splice donor site of the intron after coding-DNA position 3913, T replaced by C.
Molecular consequence: splice donor variant.
Genome position (GRCh38, 1-based): chr18:46,541,774, A>G on the plus strand (T>C on the coding strand, the complement: LOXHD1 is on the minus strand). VCF-style: chr18-46541774-A-G. GRCh37 (hg19) VCF-style: chr18-44121737-A-G.
Other names: c.3913+2T>C (NM_144612.6, NM_144612.7); c.580+2T>C (NM_001145472.3); c.292+2T>C (NM_001308013.2).
Identifiers: ClinVar variation 1937195 (VCV001937195.6), dbSNP rs901636863, ClinGen allele CA299805660.
Genomic context (GRCh38, chr18:46,541,774, plus strand): 5'-AGTTGGGGTAGCTGGTGATGGGGCCCCAGAGAAGGGCTGGCCTTGCCGTGTGTGGTTCCT[A>G]CATGGTGTGTACAGCCTCGTCTGAAGCTCTGCATGGAAGAGGTCTCTGATGATGGACCCG-3'

ClinVar aggregate classification (germline): Likely pathogenic. Review status: criteria provided, multiple submitters, no conflicts (2 of 4 stars). 2 submissions from 2 submitters: Likely pathogenic (2). Last evaluated 2024-03-28.

Conditions:
Autosomal recessive nonsyndromic hearing loss 77. Identifiers: Orphanet 90636, MedGen C2746083, MONDO:0013119, OMIM 613079.

Allele frequency attached by ClinVar (database versions not stated): gnomAD exomes below 0.00001.
gnomAD v4.1: 5 of 1,551,650 alleles (0.00032%); highest among the groups gnomAD compares: Admixed American, 0.002%; no homozygotes.

Submissions (2):

Fulgent Genetics
Classification: Likely pathogenic for Autosomal recessive nonsyndromic hearing loss 77. Last evaluated: 2024-03-28. Review status: criteria provided, single submitter. Criteria: ACMG Guidelines, 2015. Collection method: clinical testing. Allele origin: germline.

Labcorp Genetics (formerly Invitae), Labcorp
Classification: Likely pathogenic. Last evaluated: 2022-08-20. Review status: criteria provided, single submitter. Criteria: Invitae Variant Classification Sherloc (09022015). Collection method: clinical testing. Allele origin: germline.
Comment: This sequence change affects a donor splice site in intron 25 of the LOXHD1 gene. It is expected to disrupt RNA splicing. Variants that disrupt the donor or acceptor splice site typically lead to a loss of protein function (PMID: 16199547), and loss-of-function variants in LOXHD1 are known to be pathogenic (PMID: 19732867, 21465660, 25792669). This variant is present in population databases (no rsID available, gnomAD 0.004%). This variant has not been reported in the literature in individuals affected with LOXHD1-related conditions. Algorithms developed to predict the effect of sequence changes on RNA splicing suggest that this variant may disrupt the consensus splice site. In summary, the currently available evidence indicates that the variant is pathogenic, but additional data are needed to prove that conclusively. Therefore, this variant has been classified as Likely Pathogenic.

Literature cited by the submitters: PubMed 16199547 (cited by Labcorp Genetics (formerly Invitae), Labcorp); PubMed 19732867 (cited by Labcorp Genetics (formerly Invitae), Labcorp); PubMed 21465660 (cited by Labcorp Genetics (formerly Invitae), Labcorp); PubMed 25792669 (cited by Labcorp Genetics (formerly Invitae), Labcorp).